The following is an entry in ClinVar:

NM_053025.4(MYLK):c.4869C>T (p.Gly1623=)

Gene: MYLK (myosin light chain kinase; minus strand). Cytogenetic location: 3q21.1.
Variant type: single nucleotide variant.
Coding change: c.4869C>T on transcript NM_053025.4 (MANE Select); coding-DNA position 4869, C replaced by T.
Protein change: p.Gly1623=; no amino-acid change (glycine 1623 retained).
Molecular consequence: synonymous variant.
Genome position (GRCh38, 1-based): chr3:123,638,163, G>A on the plus strand (C>T on the coding strand, the complement: MYLK is on the minus strand). VCF-style: chr3-123638163-G-A. GRCh37 (hg19) VCF-style: chr3-123357010-G-A.
Other names: c.4662C>T, p.Gly1554= (NM_053026.4, NM_053028.4); c.4869C>T, p.Gly1623= (NM_053027.4); c.4341C>T, p.Gly1447= (NM_001321309.2).
Identifiers: ClinVar variation 2567255 (VCV002567255.2), dbSNP rs2473198433, ClinGen allele CA435298097.
Genomic context (GRCh38, chr3:123,638,163, plus strand): 5'-GTCTGTGGCGTAGCCGATGGGCTCATAGTTGATCACTTCAGGAGCCACAAATTCTGGGGT[G>A]CCAAAGAGGACCTTCAGAGACCCCGCATTCTCTGAAACCAGGATGGAGAGGGATAAATTG-3'
Protein context (NP_444253.3, residues 1613-1633): ENAGSLKVLF[Gly1623=]TPEFVAPEVI

ClinVar aggregate classification (germline): Uncertain significance (1 of 4 stars; one submission).

Conditions:
Familial thoracic aortic aneurysm and aortic dissection (TAAD). Also called: Thoracic aortic aneurysms and dissections. Identifiers: Orphanet 91387, MedGen C4707243, MONDO:0019625.

Allele frequency attached by ClinVar (database versions not stated): gnomAD exomes below 0.00001.
gnomAD v4.1: 5 of 1,614,024 alleles (0.00031%); highest among the groups gnomAD compares: Non-Finnish European, 0.00042%; no homozygotes.

Submission:

Ambry Genetics
Classification: Uncertain significance for Familial thoracic aortic aneurysm and aortic dissection. Last evaluated: 2023-06-02. Review status: criteria provided, single submitter. Criteria: Ambry Variant Classification Scheme 2023. Collection method: clinical testing. Allele origin: germline.
Comment: The c.4869C>T variant (also known as p.G1623G), located in coding exon 26 of the MYLK gene, results from a C to T substitution at nucleotide position 4869. This nucleotide substitution does not change the glycine at codon 1623. This nucleotide position is poorly conserved in available vertebrate species. In silico splice site analysis for this alteration is inconclusive. Since supporting evidence is limited at this time, the clinical significance of this alteration remains unclear.